The following is an entry in ClinVar:

ClinVar aggregate classification (germline): Uncertain significance (1 of 4 stars; one submission).

Conditions:
Ataxia-telangiectasia syndrome (AT). Also called: LOUIS-BAR SYNDROME; Cerebello-oculocutaneous telangiectasia; Immunodeficiency with ataxia telangiectasia; ATAXIA-TELANGIECTASIA, COMPLEMENTATION GROUP A; ATAXIA-TELANGIECTASIA, FRESNO VARIANT; Ataxia-telangiectasia, complementation group D. Identifiers: Orphanet 100, MedGen C0004135, MONDO:0008840, OMIM 208900.

Submission:

Labcorp Genetics (formerly Invitae), Labcorp
Classification: Uncertain significance for Ataxia-telangiectasia syndrome. Last evaluated: 2024-07-02. Review status: criteria provided, single submitter. Criteria: Invitae Variant Classification Sherloc (09022015). Collection method: clinical testing. Allele origin: germline.
Comment: This sequence change replaces glutamine, which is neutral and polar, with arginine, which is basic and polar, at codon 754 of the ATM protein (p.Gln754Arg). This variant is not present in population databases (gnomAD no frequency). This variant has not been reported in the literature in individuals affected with ATM-related conditions. An algorithm developed to predict the effect of missense changes on protein structure and function (PolyPhen-2) suggests that this variant is likely to be tolerated. In summary, the available evidence is currently insufficient to determine the role of this variant in disease. Therefore, it has been classified as a Variant of Uncertain Significance.

NM_000051.4(ATM):c.2261A>G (p.Gln754Arg)

Gene: ATM (ATM serine/threonine kinase; plus strand). Cytogenetic location: 11q22.3.
Variant type: single nucleotide variant.
Coding change: c.2261A>G on transcript NM_000051.4 (MANE Select); coding-DNA position 2261, A replaced by G.
Protein change: p.Gln754Arg; replaces glutamine 754 with arginine.
Molecular consequence: missense variant.
Genome position (GRCh38, 1-based): chr11:108,257,491, A>G. VCF-style: chr11-108257491-A-G. GRCh37 (hg19) VCF-style: chr11-108128218-A-G.
Other names: c.2261A>G, p.Gln754Arg (NM_001351834.2); short protein forms Q754R.
Identifiers: ClinVar variation 3658520 (VCV003658520.2).